The following is an entry in ClinVar:

ClinVar aggregate classification (germline): Conflicting classifications of pathogenicity. Review status: criteria provided, conflicting classifications (1 of 4 stars). 3 submissions from 3 submitters: Uncertain significance (1); Likely benign (1). 1 of the submissions does not count toward it. Last evaluated 2019-12-31.

Conditions:
Griscelli syndrome type 1 (GS1). Also called: GRISCELLI SYNDROME WITH NEUROLOGIC IMPAIRMENT; GRISCELLI SYNDROME, CUTANEOUS AND NEUROLOGIC TYPE; PARTIAL ALBINISM AND PRIMARY NEUROLOGIC DISEASE WITHOUT HEMOPHAGOCYTIC SYNDROME. Identifiers: Orphanet 381, Orphanet 79476, MedGen C1859194, MONDO:0008962, OMIM 214450.
MYO5A-related disorder. Also called: MYO5A-related condition.

Allele frequency attached by ClinVar (database versions not stated): gnomAD 0.00012 and 0.00016; TOPMed 0.00020; ExAC 0.00022; 1000 Genomes Project 30x 0.00047.
gnomAD v4.1: 140 of 1,614,100 alleles (0.0087%); highest among the groups gnomAD compares: East Asian, 0.2%; no homozygotes.

Submissions (3):

Labcorp Genetics (formerly Invitae), Labcorp
Classification: Likely benign. Last evaluated: 2019-12-31. Review status: criteria provided, single submitter. Criteria: Invitae Variant Classification Sherloc (09022015). Collection method: clinical testing. Allele origin: germline.

Baylor Genetics
Classification: Uncertain significance for Griscelli syndrome type 1. Last evaluated: 2018-07-21. Review status: criteria provided, single submitter. Criteria: ACMG Guidelines, 2015. Collection method: clinical testing. Allele origin: unknown. Affected: yes.
Comment: This variant was determined to be of uncertain significance according to ACMG Guidelines, 2015 [PMID:25741868].

PreventionGenetics, part of Exact Sciences
Classification: Likely benign for MYO5A-related condition. Last evaluated: 2022-12-08. Review status: no assertion criteria provided. Collection method: clinical testing. Allele origin: germline. Not counted in ClinVar's aggregate classification.
Comment: This variant is classified as likely benign based on ACMG/AMP sequence variant interpretation guidelines (Richards et al. 2015 PMID: 25741868, with internal and published modifications).

NM_001382347.1(MYO5A):c.2477G>A (p.Arg826His)

Gene: MYO5A (myosin VA; minus strand). Cytogenetic location: 15q21.2.
Variant type: single nucleotide variant.
Coding change: c.2477G>A on transcript NM_001382347.1 (MANE Select); coding-DNA position 2477, G replaced by A.
Protein change: p.Arg826His; replaces arginine 826 with histidine.
Molecular consequence: missense variant.
Genome position (GRCh38, 1-based): chr15:52,375,404, C>T on the plus strand (G>A on the coding strand, the complement: MYO5A is on the minus strand). VCF-style: chr15-52375404-C-T. GRCh37 (hg19) VCF-style: chr15-52667601-C-T.
Other names: c.2477G>A, p.Arg826His (NM_000259.3, NM_001142495.2); c.2549G>A, p.Arg850His (NM_001382348.1, NM_001382349.1); short protein forms R826H, R850H.
Identifiers: ClinVar variation 742942 (VCV000742942.7), dbSNP rs752461164, ClinGen allele CA7568684.